The following is an entry in ClinVar:

ClinVar aggregate classification (germline): Uncertain significance (1 of 4 stars; one submission).

Submission:

GeneDx
Classification: Uncertain significance. Last evaluated: 2023-11-02. Review status: criteria provided, single submitter. Criteria: GeneDx Variant Classification Process June 2021. Collection method: clinical testing. Allele origin: germline. Affected: yes.
Comment: Not observed at significant frequency in large population cohorts (gnomAD); In silico analysis supports that this missense variant has a deleterious effect on protein structure/function; Has not been previously published as pathogenic or benign to our knowledge

NM_001271.4(CHD2):c.4994A>G (p.Tyr1665Cys)

Gene: CHD2 (chromodomain helicase DNA binding protein 2; plus strand). Cytogenetic location: 15q26.1.
Variant type: single nucleotide variant.
Coding change: c.4994A>G on transcript NM_001271.4 (MANE Select); coding-DNA position 4994, A replaced by G.
Protein change: p.Tyr1665Cys; replaces tyrosine 1665 with cysteine.
Molecular consequence: missense variant.
Genome position (GRCh38, 1-based): chr15:93,020,099, A>G. VCF-style: chr15-93020099-A-G. GRCh37 (hg19) VCF-style: chr15-93563329-A-G.
Other names: short protein forms Y1665C.
Identifiers: ClinVar variation 3363785 (VCV003363785.1).